The following is an entry in ClinVar:

NM_020911.2(PLXNA4):c.3698C>T (p.Pro1233Leu)

Gene: PLXNA4 (plexin A4; minus strand). Cytogenetic location: 7q32.3.
Variant type: single nucleotide variant.
Coding change: c.3698C>T on transcript NM_020911.2 (MANE Select); coding-DNA position 3698, C replaced by T.
Protein change: p.Pro1233Leu; replaces proline 1233 with leucine.
Molecular consequence: missense variant.
Genome position (GRCh38, 1-based): chr7:132,179,863, G>A on the plus strand (C>T on the coding strand, the complement: PLXNA4 is on the minus strand). VCF-style: chr7-132179863-G-A. GRCh37 (hg19) VCF-style: chr7-131864622-G-A.
Other names: c.3698C>T, p.Pro1233Leu (NM_001393897.1); short protein forms P1233L.
Identifiers: ClinVar variation 3355870 (VCV003355870.1).

ClinVar aggregate classification (germline): Uncertain significance (0 of 4 stars; one submission).

Conditions:
PLXNA4-related disorder. Also called: PLXNA4-related condition.

gnomAD v4.1: 43 of 1,613,042 alleles (0.0027%); highest among the groups gnomAD compares: African/African-American, 0.0067%; no homozygotes.

Submission:

PreventionGenetics, part of Exact Sciences
Classification: Uncertain significance for PLXNA4-related condition. Last evaluated: 2024-07-11. Review status: no assertion criteria provided. Collection method: clinical testing. Allele origin: germline.
Comment: The PLXNA4 c.3698C>T variant is predicted to result in the amino acid substitution p.Pro1233Leu. To our knowledge, this variant has not been reported in the literature. This variant is reported in 0.0040% of alleles in individuals of European (Non-Finnish) descent in gnomAD. At this time, the clinical significance of this variant is uncertain due to the absence of conclusive functional and genetic evidence.